The following is an entry in ClinVar:

NM_014875.3(KIF14):c.3886+1_3886+2del

Gene: KIF14 (kinesin family member 14; minus strand). Cytogenetic location: 1q32.1.
Variant type: Deletion.
Coding change: c.3886+1_3886+2del on transcript NM_014875.3 (MANE Select); the canonical splice donor site of the intron after coding-DNA position 3886, 2 bases deleted (GT; older notation c.3886+1_3886+2delGT).
Molecular consequence: splice donor variant.
Genome position (GRCh38, 1-based): chr1:200,565,443-200,565,444, AC deleted on the plus strand (GT on the coding strand, the reverse complement: KIF14 is on the minus strand); deleting any 2 consecutive bases within chr1:200,565,443-200,565,445 gives the same sequence; the c. name uses the placement nearest the transcript's 3' end. VCF-style (leftmost placement, unchanged base first): chr1-200565442-TAC-T. GRCh37 (hg19) VCF-style: chr1-200534570-TAC-T.
Other names: c.2413+1_2413+2del (NM_001305792.1).
Identifiers: ClinVar variation 4732981 (VCV004732981.1).
Genomic context (GRCh38, chr1:200,565,442, plus strand): 5'-CAAAGTGCAATGTGCAGAAAATAATCATTTATGTGAGTTAACAAAAGCAGTGAGATTGCT[TAC>T]AGTTATCTTGACTTTCTTCATCTTGTTCTTCATGAGCCTTGGAAATGGCAAATAGCCCAT-3'

ClinVar aggregate classification (germline): Likely pathogenic (1 of 4 stars; one submission).

Submission:

Labcorp Genetics (formerly Invitae), Labcorp
Classification: Likely pathogenic. Last evaluated: 2025-12-11. Review status: criteria provided, single submitter. Criteria: Invitae Variant Classification Sherloc (09022015). Collection method: clinical testing. Allele origin: germline.
Comment: This sequence change affects a splice site in intron 24 of the KIF14 gene. It is expected to disrupt RNA splicing. Variants that disrupt the donor or acceptor splice site typically lead to a loss of protein function (PMID: 16199547), and loss-of-function variants in KIF14 are known to be pathogenic (PMID: 23308235, 29343805, 30388224). This variant is not present in population databases (gnomAD no frequency). This variant has not been reported in the literature in individuals affected with KIF14-related conditions. Algorithms developed to predict the effect of sequence changes on RNA splicing suggest that this variant may disrupt the consensus splice site. In summary, the currently available evidence indicates that the variant is pathogenic, but additional data are needed to prove that conclusively. Therefore, this variant has been classified as Likely Pathogenic.

Literature cited by the submitters: PubMed 16199547; PubMed 23308235; PubMed 29343805; PubMed 30388224.